The following is an entry in ClinVar:

ClinVar aggregate classification (germline): Uncertain significance. Review status: criteria provided, multiple submitters, no conflicts (2 of 4 stars). 2 submissions from 2 submitters: Uncertain significance (2). Last evaluated 2025-02-15.

Conditions:
Inborn genetic diseases. Identifiers: MedGen C0950123, MeSH D030342.

Submissions (2):

Ambry Genetics
Classification: Uncertain significance for Inborn genetic diseases. Last evaluated: 2025-02-15. Review status: criteria provided, single submitter. Criteria: Ambry Variant Classification Scheme 2023. Collection method: clinical testing. Allele origin: germline.
Comment: The p.E906K variant (also known as c.2716G>A), located in coding exon 13 of the ASXL1 gene, results from a G to A substitution at nucleotide position 2716. The glutamic acid at codon 906 is replaced by lysine, an amino acid with similar properties. This amino acid position is conserved. In addition, this alteration is predicted to be tolerated by in silico analysis. Based on the available evidence, the clinical significance of this variant remains unclear.

Labcorp Genetics (formerly Invitae), Labcorp
Classification: Uncertain significance. Last evaluated: 2024-05-21. Review status: criteria provided, single submitter. Criteria: Invitae Variant Classification Sherloc (09022015). Collection method: clinical testing. Allele origin: germline.
Comment: This sequence change replaces glutamic acid, which is acidic and polar, with lysine, which is basic and polar, at codon 906 of the ASXL1 protein (p.Glu906Lys). This variant is not present in population databases (gnomAD no frequency). This variant has not been reported in the literature in individuals affected with ASXL1-related conditions. Algorithms developed to predict the effect of missense changes on protein structure and function output the following: SIFT: "Not Available"; PolyPhen-2: "Benign"; Align-GVGD: "Not Available". The lysine amino acid residue is found in multiple mammalian species, which suggests that this missense change does not adversely affect protein function. In summary, the available evidence is currently insufficient to determine the role of this variant in disease. Therefore, it has been classified as a Variant of Uncertain Significance.

NM_015338.6(ASXL1):c.2716G>A (p.Glu906Lys)

Gene: ASXL1 (ASXL transcriptional regulator 1; plus strand). Cytogenetic location: 20q11.21.
Variant type: single nucleotide variant.
Coding change: c.2716G>A on transcript NM_015338.6 (MANE Select); coding-DNA position 2716, G replaced by A.
Protein change: p.Glu906Lys; replaces glutamic acid 906 with lysine.
Molecular consequence: missense variant.
Genome position (GRCh38, 1-based): chr20:32,435,428, G>A. VCF-style: chr20-32435428-G-A. GRCh37 (hg19) VCF-style: chr20-31023231-G-A.
Other names: c.2533G>A, p.Glu845Lys (NM_001363734.1); short protein forms E845K, E906K.
Identifiers: ClinVar variation 3654005 (VCV003654005.3).